The following is an entry in ClinVar:

NM_014989.7(RIMS1):c.-140T>C

Gene: RIMS1 (regulating synaptic membrane exocytosis 1; plus strand). Cytogenetic location: 6q13.
Variant type: single nucleotide variant.
Coding change: c.-140T>C on transcript NM_014989.7 (MANE Select); 140 bases upstream of the start codon, T replaced by C.
Molecular consequence: 5 prime UTR variant.
Genome position (GRCh38, 1-based): chr6:71,886,884, T>C. VCF-style: chr6-71886884-T-C. GRCh37 (hg19) VCF-style: chr6-72596587-T-C.
Other names: c.-140T>C (NM_001350411.1, NM_001350412.1, NM_001350413.1).
Identifiers: ClinVar variation 357825 (VCV000357825.5), dbSNP rs528494309, ClinGen allele CA10622645.

ClinVar aggregate classification (germline): Benign (1 of 4 stars; one submission).

Conditions:
Cone-rod dystrophy 7 (CORD7). Identifiers: Orphanet 1872, MedGen C1863634, MONDO:0011355, OMIM 603649.

Allele frequency attached by ClinVar (database versions not stated): gnomAD 0.00049 and 0.00055; gnomAD exomes 0.00056; 1000 Genomes Project 0.00200; TOPMed 0.00060; 1000 Genomes Project 30x 0.00109.
gnomAD v4.1: 488 of 869,394 alleles (0.056%); highest among the groups gnomAD compares: East Asian, 0.34%; no homozygotes.

Submission:

Illumina Laboratory Services, Illumina
Classification: Benign for Cone-rod dystrophy 7. Last evaluated: 2018-01-13. Review status: criteria provided, single submitter. Criteria: ICSL Variant Classification Criteria 13 December 2019. Collection method: clinical testing. Allele origin: germline.
Comment: This variant was observed in the ICSL laboratory as part of a predisposition screen in an ostensibly healthy population. It had not been previously curated by ICSL or reported in the Human Gene Mutation Database (HGMD: prior to June 1st, 2018), and was therefore a candidate for classification through an automated scoring system. Utilizing variant allele frequency, disease prevalence and penetrance estimates, and inheritance mode, an automated score was calculated to assess if this variant is too frequent to cause the disease. Based on the score and internal cut-off values, a variant classified as benign is not then subjected to further curation. The score for this variant resulted in a classification of benign for this disease.